The following is an entry in ClinVar:

NM_181507.2(HPS5):c.2297A>G (p.Gln766Arg)

Gene: HPS5 (HPS5 biogenesis of lysosomal organelles complex 2 subunit 2; minus strand). Cytogenetic location: 11p15.1.
Variant type: single nucleotide variant.
Coding change: c.2297A>G on transcript NM_181507.2 (MANE Select); coding-DNA position 2297, A replaced by G.
Protein change: p.Gln766Arg; replaces glutamine 766 with arginine.
Molecular consequence: missense variant.
Genome position (GRCh38, 1-based): chr11:18,291,585, T>C on the plus strand (A>G on the coding strand, the complement: HPS5 is on the minus strand). VCF-style: chr11-18291585-T-C. GRCh37 (hg19) VCF-style: chr11-18313132-T-C.
Other names: c.1955A>G, p.Gln652Arg (NM_007216.4, NM_181508.2); short protein forms Q652R, Q766R.
Identifiers: ClinVar variation 2711682 (VCV002711682.1), dbSNP rs192019652, ClinGen allele CA5909885.

ClinVar aggregate classification (germline): Uncertain significance (1 of 4 stars; one submission).

Allele frequency attached by ClinVar (database versions not stated): TOPMed 0.00001; gnomAD 0.00002; gnomAD exomes 0.00003; ExAC 0.00005; 1000 Genomes Project 0.00020; 1000 Genomes Project 30x 0.00031.

Submission:

Labcorp Genetics (formerly Invitae), Labcorp
Classification: Uncertain significance. Last evaluated: 2023-12-21. Review status: criteria provided, single submitter. Criteria: Invitae Variant Classification Sherloc (09022015). Collection method: clinical testing. Allele origin: germline.
Comment: This sequence change replaces glutamine, which is neutral and polar, with arginine, which is basic and polar, at codon 766 of the HPS5 protein (p.Gln766Arg). This variant is present in population databases (rs192019652, gnomAD 0.05%). This variant has not been reported in the literature in individuals affected with HPS5-related conditions. Algorithms developed to predict the effect of missense changes on protein structure and function output the following: SIFT: "Not Available"; PolyPhen-2: "Benign"; Align-GVGD: "Not Available". The arginine amino acid residue is found in multiple mammalian species, which suggests that this missense change does not adversely affect protein function. In summary, the available evidence is currently insufficient to determine the role of this variant in disease. Therefore, it has been classified as a Variant of Uncertain Significance.